The following is an entry in ClinVar:

ClinVar aggregate classification (germline): Benign. Review status: criteria provided, multiple submitters, no conflicts (2 of 4 stars). 3 submissions from 3 submitters: Benign (2). 1 of the submissions does not count toward it. Last evaluated 2018-06-21.

Conditions:
RASGEF1B-related disorder. Also called: RASGEF1B-related condition.

Allele frequency attached by ClinVar (database versions not stated): gnomAD exomes 0.00174; 1000 Genomes Project 0.00619; 1000 Genomes Project 30x 0.00687; gnomAD 0.00706 and 0.00774; ESP Exome Variant Server 0.00753; TOPMed 0.00754.

Submissions (3):

Labcorp Genetics (formerly Invitae), Labcorp
Classification: Benign. Last evaluated: 2018-06-21. Review status: criteria provided, single submitter. Criteria: Invitae Variant Classification Sherloc (09022015). Collection method: clinical testing. Allele origin: germline.

Breakthrough Genomics
Classification: Benign. Review status: criteria provided, single submitter. Criteria: ACMG Guidelines, 2015. Collection method: not provided. Allele origin: germline. Inheritance: Unknown mechanism. Affected: yes.

PreventionGenetics, part of Exact Sciences
Classification: Benign for RASGEF1B-related condition. Last evaluated: 2019-04-09. Review status: no assertion criteria provided. Collection method: clinical testing. Allele origin: germline. Not counted in ClinVar's aggregate classification.
Comment: This variant is classified as benign based on ACMG/AMP sequence variant interpretation guidelines (Richards et al. 2015 PMID: 25741868, with internal and published modifications).

NM_152545.3(RASGEF1B):c.969T>G (p.Thr323=)

Gene: RASGEF1B (RasGEF domain family member 1B; minus strand). Cytogenetic location: 4q21.21.
Variant type: single nucleotide variant.
Coding change: c.969T>G on transcript NM_152545.3 (MANE Select); coding-DNA position 969, T replaced by G.
Protein change: p.Thr323=; no amino-acid change (threonine 323 retained).
Molecular consequence: synonymous variant.
Genome position (GRCh38, 1-based): chr4:81,442,336, A>C on the plus strand (T>G on the coding strand, the complement: RASGEF1B is on the minus strand). VCF-style: chr4-81442336-A-C. GRCh37 (hg19) VCF-style: chr4-82363490-A-C.
Other names: c.966T>G, p.Thr322= (NM_001300735.2); c.843T>G, p.Thr281= (NM_001300736.2).
Identifiers: ClinVar variation 710953 (VCV000710953.6), dbSNP rs142409504, ClinGen allele CA2984191.
Genomic context (GRCh38, chr4:81,442,336, plus strand): 5'-CAAAACATCAGCTTCACATACCTCAAGAATGTCAAATTTTGCAGTCTTCACTTTGGCCCA[A>C]GTTTTTTTTAGTCGAGAGACTGGGCTCATATTCATACCAGCTTCCCATTTGAAATGGAGG-3'
Protein context (NP_689758.1, residues 313-333): NMSPVSRLKK[Thr323=]WAKVKTAKFD